The following is an entry in ClinVar:

ClinVar aggregate classification (germline): Uncertain significance (1 of 4 stars; one submission).

Conditions:
Epidermolysis bullosa simplex with nail dystrophy (EBS5D). Identifiers: MedGen C4225309, MONDO:0014661, OMIM 616487.
Epidermolysis bullosa simplex, Ogna type (EBS5A). Also called: EPIDERMOLYSIS BULLOSA SIMPLEX 5A, OGNA TYPE; Pidermolysis bullosa simplex 5A, Ogna type. Identifiers: Orphanet 79401, MedGen C0432317, MONDO:0007555, OMIM 131950.
Autosomal recessive limb-girdle muscular dystrophy type 2Q (LGMDR17). Also called: MUSCULAR DYSTROPHY, LIMB-GIRDLE, AUTOSOMAL RECESSIVE 17. Identifiers: Orphanet 254361, MedGen C3150989, MONDO:0013390, OMIM 613723.
Epidermolysis bullosa simplex 5B, with muscular dystrophy (EBS5B). Also called: EPIDERMOLYSIS BULLOSA SIMPLEX AND LIMB-GIRDLE MUSCULAR DYSTROPHY; Epidermolysis bullosa simplex with muscular dystrophy. Identifiers: Orphanet 257, MedGen C2931072, MONDO:0009181, OMIM 226670.
Epidermolysis bullosa simplex 5C, with pyloric atresia (EBS5C). Also called: PLEC-Related Epidermolysis Bullosa with Pyloric Atresia; Epidermolysis bullosa simplex with pyloric atresia; PLEC1-Related Epidermolysis Bullosa with Pyloric Atresia. Identifiers: Orphanet 158684, MedGen C2677349, MONDO:0012807, OMIM 612138.

Submission:

Labcorp Genetics (formerly Invitae), Labcorp
Classification: Uncertain significance for Autosomal recessive limb-girdle muscular dystrophy type 2Q; Epidermolysis bullosa simplex, Ogna type; Epidermolysis bullosa simplex with nail dystrophy; Epidermolysis bullosa simplex 5C, with pyloric atresia; Epidermolysis bullosa simplex 5B, with muscular dystrophy. Last evaluated: 2025-04-09. Review status: criteria provided, single submitter. Criteria: Invitae Variant Classification Sherloc (09022015). Collection method: clinical testing. Allele origin: germline.
Comment: This sequence change replaces alanine, which is neutral and non-polar, with serine, which is neutral and polar, at codon 531 of the PLEC protein (p.Ala531Ser). The frequency data for this variant in the population databases is considered unreliable, as metrics indicate poor data quality at this position in the gnomAD database. This variant has not been reported in the literature in individuals affected with PLEC-related conditions. An algorithm developed to predict the effect of missense changes on protein structure and function outputs the following: PolyPhen-2: "Not Available". The serine amino acid residue is found in multiple mammalian species, which suggests that this missense change does not adversely affect protein function. In summary, the available evidence is currently insufficient to determine the role of this variant in disease. Therefore, it has been classified as a Variant of Uncertain Significance.

NM_201384.3(PLEC):c.1510G>T (p.Ala504Ser)

Gene: PLEC (plectin; minus strand). Cytogenetic location: 8q24.3.
Variant type: single nucleotide variant.
Coding change: c.1510G>T on transcript NM_201384.3 (MANE Select); coding-DNA position 1510, G replaced by T.
Protein change: p.Ala504Ser; replaces alanine 504 with serine.
Molecular consequence: missense variant.
Genome position (GRCh38, 1-based): chr8:143,933,020, C>A on the plus strand (G>T on the coding strand, the complement: PLEC is on the minus strand). VCF-style: chr8-143933020-C-A. GRCh37 (hg19) VCF-style: chr8-145007188-C-A.
Other names: c.1591G>T, p.Ala531Ser (NM_000445.5, NM_001410941.1); c.1468G>T, p.Ala490Ser (NM_201378.4); c.1444G>T, p.Ala482Ser (NM_201379.3); c.1921G>T, p.Ala641Ser (NM_201380.4); c.1414G>T, p.Ala472Ser (NM_201381.3); c.1510G>T, p.Ala504Ser (NM_201382.4); c.1522G>T, p.Ala508Ser (NM_201383.3); short protein forms A482S, A504S, A472S, A490S, A508S, A641S, A531S.
Identifiers: ClinVar variation 4790074 (VCV004790074.1).